The following is an entry in ClinVar:

ClinVar aggregate classification (germline): Uncertain significance (1 of 4 stars; one submission).

Conditions:
Hereditary cancer-predisposing syndrome. Also called: Tumor predisposition; Hereditary neoplastic syndrome; Hereditary Cancer Syndrome; Neoplastic Syndromes, Hereditary. Identifiers: Orphanet 140162, MedGen C0027672, MeSH D009386, MONDO:0015356.

Submission:

Ambry Genetics
Classification: Uncertain significance for Hereditary cancer-predisposing syndrome. Last evaluated: 2023-09-25. Review status: criteria provided, single submitter. Criteria: Ambry Variant Classification Scheme 2023. Collection method: clinical testing. Allele origin: germline.
Comment: The c.2631_2632dupGA variant, located in coding exon 17 of the CTNNA1 gene, results from a duplication of GA at nucleotide position 2631, causing a translational frameshift with a predicted alternate stop codon (p.T878Rfs*15). This alteration is expected to result in loss of function by premature protein truncation or nonsense-mediated mRNA decay. The evidence for this gene-disease relationship is limited; therefore, the clinical significance of this alteration is unclear.

NM_001903.5(CTNNA1):c.2631_2632dup (p.Thr878fs)

Gene: CTNNA1 (catenin alpha 1; plus strand). Cytogenetic location: 5q31.2.
Variant type: Microsatellite.
Coding change: c.2631_2632dup on transcript NM_001903.5 (MANE Select); coding-DNA positions 2631 to 2632, 2 bases duplicated (GA; older notation c.2631_2632dupGA).
Protein change: p.Thr878fs; shifts the reading frame from threonine 878.
Molecular consequence: frameshift variant. On other transcripts: 3 prime UTR variant (5).
Genome position (GRCh38, 1-based): chr5:138,933,999-138,934,000, GA duplicated; duplicating any 2 consecutive bases within chr5:138,933,997-138,934,000 gives the same sequence; the c. name uses the placement nearest the transcript's 3' end. VCF-style (leftmost placement, unchanged base first): chr5-138933996-T-TGA. GRCh37 (hg19) VCF-style: chr5-138269685-T-TGA.
Other names: c.*174GA[3] (NM_001290307.3, NM_001324002.1, NM_001324003.1 and 2 more transcripts); c.2322_2323dup, p.Thr775fs (NM_001290309.3); c.2262_2263dup, p.Thr755fs (NM_001290310.3); c.1521_1522dup, p.Thr508fs (NM_001290312.1, NM_001323987.1, NM_001323988.1 and 12 more transcripts); c.2631_2632dup, p.Thr878fs (NM_001323982.2, NM_001323983.1, NM_001323984.2); c.2604_2605dup, p.Thr869fs (NM_001323985.2); c.2538_2539dup, p.Thr847fs (NM_001323986.2); c.1386_1387dup, p.Thr463fs (NM_001324001.1); and 3 more; short protein forms T395fs, T427fs, T463fs, T477fs, T508fs, T755fs, T775fs, T847fs.
Identifiers: ClinVar variation 3221906 (VCV003221906.1), dbSNP rs2533955340, ClinGen allele CA2825001399.
Genomic context (GRCh38, chr5:138,933,996, plus strand): 5'-TGTGTCATGGAAGATGAAGGCACCAGAGAAAAAGCCATTGGTGAAGAGAGAGAAACAGGA[T>TGA]GAGACACAGACCAAGATTAAACGGGCATCTCAGAAGAAGCACGTGAACCCGGTGCAGGCC-3'